The following is an entry in ClinVar:

ClinVar aggregate classification (germline): Uncertain significance. Review status: criteria provided, multiple submitters, no conflicts (2 of 4 stars). 2 submissions from 2 submitters: Uncertain significance (2). Last evaluated 2025-10-29.

Conditions:
Epilepsy, idiopathic generalized, susceptibility to, 13. Also called: EPILEPSY, JUVENILE MYOCLONIC, SUSCEPTIBILITY TO, 5. Identifiers: Orphanet 307, Orphanet 64280, MedGen C4013473, MONDO:0012627, OMIM 611136.
Epilepsy, childhood absence 4 (ECA4). Also called: EPILEPSY, CHILDHOOD ABSENCE, SUSCEPTIBILITY TO, 4. Identifiers: Orphanet 307, MedGen C1970160.
Idiopathic generalized epilepsy. Also called: EIG; Generalised epilepsy. Identifiers: MedGen C0270850, MONDO:0005579, OMIM 600669.

Submissions (2):

Labcorp Genetics (formerly Invitae), Labcorp
Classification: Uncertain significance for Epilepsy, childhood absence 4; Epilepsy, idiopathic generalized, susceptibility to, 13; Idiopathic generalized epilepsy. Last evaluated: 2025-10-29. Review status: criteria provided, single submitter. Criteria: Invitae Variant Classification Sherloc (09022015). Collection method: clinical testing. Allele origin: germline.
Comment: This sequence change replaces tyrosine, which is neutral and polar, with cysteine, which is neutral and slightly polar, at codon 187 of the GABRA1 protein (p.Tyr187Cys). This variant is not present in population databases (gnomAD no frequency). This variant has not been reported in the literature in individuals affected with GABRA1-related conditions. ClinVar contains an entry for this variant (Variation ID: 2129576). Invitae Evidence Modeling of protein sequence and biophysical properties (such as structural, functional, and spatial information, amino acid conservation, physicochemical variation, residue mobility, and thermodynamic stability) has been performed for this missense variant. However, the output from this modeling did not meet the statistical confidence thresholds required to predict the impact of this variant on GABRA1 protein function. In summary, the available evidence is currently insufficient to determine the role of this variant in disease. Therefore, it has been classified as a Variant of Uncertain Significance.

GeneDx
Classification: Uncertain significance. Last evaluated: 2025-01-29. Review status: criteria provided, single submitter. Criteria: GeneDx Variant Classification Process June 2021. Collection method: clinical testing. Allele origin: germline. Affected: yes.
Comment: Not observed at significant frequency in large population cohorts (gnomAD); In silico analysis supports that this missense variant has a deleterious effect on protein structure/function; Has not been previously published as pathogenic or benign to our knowledge; This variant is associated with the following publications: (PMID: 38014242)

NM_001127644.2(GABRA1):c.560A>G (p.Tyr187Cys)

Gene: GABRA1 (gamma-aminobutyric acid type A receptor subunit alpha1; plus strand). Cytogenetic location: 5q34.
Variant type: single nucleotide variant.
Coding change: c.560A>G on transcript NM_001127644.2 (MANE Select); coding-DNA position 560, A replaced by G.
Protein change: p.Tyr187Cys; replaces tyrosine 187 with cysteine.
Molecular consequence: missense variant.
Genome position (GRCh38, 1-based): chr5:161,882,558, A>G. VCF-style: chr5-161882558-A-G. GRCh37 (hg19) VCF-style: chr5-161309564-A-G.
Other names: c.560A>G, p.Tyr187Cys (NM_000806.5, NM_001127643.2, NM_001127645.2 and 1 more transcripts); short protein forms Y187C.
Identifiers: ClinVar variation 2129576 (VCV002129576.5), dbSNP rs1388847957, ClinGen allele CA362179388.